The following is an entry in ClinVar:

NM_001276270.2(MBD4):c.1462G>A (p.Ala488Thr)

Gene: MBD4 (methyl-CpG binding domain 4, DNA glycosylase; minus strand). Cytogenetic location: 3q21.3.
Variant type: single nucleotide variant.
Coding change: c.1462G>A on transcript NM_001276270.2 (MANE Select); coding-DNA position 1462, G replaced by A.
Protein change: p.Ala488Thr; replaces alanine 488 with threonine.
Molecular consequence: missense variant.
Genome position (GRCh38, 1-based): chr3:129,433,179, C>T on the plus strand (G>A on the coding strand, the complement: MBD4 is on the minus strand). VCF-style: chr3-129433179-C-T. GRCh37 (hg19) VCF-style: chr3-129152022-C-T.
Other names: c.1480G>A, p.Ala494Thr (NM_001276271.2, NM_001276272.2, NM_003925.3); c.526G>A, p.Ala176Thr (NM_001276273.2); c.1480G>A (NM_003925.2); short protein forms A176T, A488T, A494T.
Identifiers: ClinVar variation 3019052 (VCV003019052.6), dbSNP rs368537488, ClinGen allele CA2605285.
Genomic context (GRCh38, chr3:129,433,179, plus strand): 5'-TTGCCCGAAGATCGTAGAGACCAAGAGGTTTAAGAAGTTCTGACACATCTCTCCAGTCTG[C>T]GGTTCTTGCTACCTCAGCTGAAGGATACTTCTCCAGAAACTTCCAAAGCACAGGTATTGC-3'
Protein context (NP_001263199.1, residues 478-498): KYPSAEVART[Ala488Thr]DWRDVSELLK

ClinVar aggregate classification (germline): Uncertain significance. Review status: criteria provided, multiple submitters, no conflicts (2 of 4 stars). 4 submissions from 4 submitters: Uncertain significance (4). Last evaluated 2026-01-04.

Conditions:
Inborn genetic diseases. Identifiers: MedGen C0950123, MeSH D030342.
MBD4-related disorder. Also called: MBD4-related condition.

Allele frequency attached by ClinVar (database versions not stated): gnomAD 0.00006; ESP Exome Variant Server 0.00008.
gnomAD v4.1: 68 of 1,614,034 alleles (0.0042%); highest among the groups gnomAD compares: African/African-American, 0.011%; no homozygotes.

Submissions (4):

Labcorp Genetics (formerly Invitae), Labcorp
Classification: Uncertain significance. Last evaluated: 2026-01-04. Review status: criteria provided, single submitter. Criteria: Invitae Variant Classification Sherloc (09022015). Collection method: clinical testing. Allele origin: germline.
Comment: This sequence change replaces alanine, which is neutral and non-polar, with threonine, which is neutral and polar, at codon 494 of the MBD4 protein (p.Ala494Thr). This variant is present in population databases (rs368537488, gnomAD 0.01%). This variant has not been reported in the literature in individuals affected with MBD4-related conditions. ClinVar contains an entry for this variant (Variation ID: 3019052). An algorithm developed to predict the effect of missense changes on protein structure and function (PolyPhen-2) suggests that this variant is likely to be disruptive. In summary, the available evidence is currently insufficient to determine the role of this variant in disease. Therefore, it has been classified as a Variant of Uncertain Significance.

PreventionGenetics, part of Exact Sciences
Classification: Uncertain significance for MBD4-related condition. Last evaluated: 2025-04-11. Review status: criteria provided, single submitter. Criteria: ACMG Guidelines, 2015. Collection method: clinical testing. Allele origin: germline.
Comment: The MBD4 c.1480G>A variant is predicted to result in the amino acid substitution p.Ala494Thr. To our knowledge, this variant has not been reported in the literature. This variant is reported in 0.012% of alleles in individuals of African descent in gnomAD. At this time, the clinical significance of this variant is uncertain due to the absence of conclusive functional and genetic evidence.

Ambry Genetics
Classification: Uncertain significance for Inborn genetic diseases. Last evaluated: 2024-12-05. Review status: criteria provided, single submitter. Criteria: Ambry Variant Classification Scheme 2023. Collection method: clinical testing. Allele origin: germline.
Comment: The p.A488T variant (also known as c.1462G>A), located in coding exon 6 of the MBD4 gene, results from a G to A substitution at nucleotide position 1462. The alanine at codon 488 is replaced by threonine, an amino acid with similar properties. This amino acid position is highly conserved in available vertebrate species. In addition, the in silico prediction for this alteration is inconclusive. Based on the available evidence, the clinical significance of this variant remains unclear.

ARUP Laboratories, Molecular Genetics and Genomics, ARUP Laboratories
Classification: Uncertain significance. Last evaluated: 2023-12-11. Review status: criteria provided, single submitter. Criteria: ARUP Molecular Germline Variant Investigation Process 2024. Collection method: clinical testing. Allele origin: germline.